The following is an entry in ClinVar:

ClinVar aggregate classification (germline): Uncertain significance (0 of 4 stars; one submission).

Conditions:
PLXNA4-related disorder. Also called: PLXNA4-related condition.

gnomAD v4.1: 92 of 1,614,042 alleles (0.0057%); highest among the groups gnomAD compares: African/African-American, 0.012%; no homozygotes.

Submission:

PreventionGenetics, part of Exact Sciences
Classification: Uncertain significance for PLXNA4-related condition. Last evaluated: 2024-05-07. Review status: no assertion criteria provided. Collection method: clinical testing. Allele origin: germline.
Comment: The PLXNA4 c.2350G>A variant is predicted to result in the amino acid substitution p.Val784Met. To our knowledge, this variant has not been reported in the literature. This variant is reported in 0.087% of alleles in individuals of Ashkenazi Jewish descent in gnomAD, which may be too common to be an unreported cause of disease. Although we suspect that this variant may be benign, at this time its clinical significance is uncertain due to the absence of conclusive functional and genetic evidence.

NM_020911.2(PLXNA4):c.2350G>A (p.Val784Met)

Gene: PLXNA4 (plexin A4; minus strand). Cytogenetic location: 7q32.3.
Variant type: single nucleotide variant.
Coding change: c.2350G>A on transcript NM_020911.2 (MANE Select); coding-DNA position 2350, G replaced by A.
Protein change: p.Val784Met; replaces valine 784 with methionine.
Molecular consequence: missense variant.
Genome position (GRCh38, 1-based): chr7:132,203,368, C>T on the plus strand (G>A on the coding strand, the complement: PLXNA4 is on the minus strand). VCF-style: chr7-132203368-C-T. GRCh37 (hg19) VCF-style: chr7-131888127-C-T.
Other names: c.2350G>A, p.Val784Met (NM_001393897.1); short protein forms V784M.
Identifiers: ClinVar variation 3351824 (VCV003351824.1).